The following is an entry in ClinVar:

NM_001270.4(CHD1):c.2357G>C (p.Ser786Thr)

Gene: CHD1 (chromodomain helicase DNA binding protein 1; minus strand). Cytogenetic location: 5q15.
Variant type: single nucleotide variant.
Coding change: c.2357G>C on transcript NM_001270.4 (MANE Select); coding-DNA position 2357, G replaced by C.
Protein change: p.Ser786Thr; replaces serine 786 with threonine.
Molecular consequence: missense variant. On other transcripts: non-coding transcript variant (2).
Genome position (GRCh38, 1-based): chr5:98,888,227, C>G on the plus strand (G>C on the coding strand, the complement: CHD1 is on the minus strand). VCF-style: chr5-98888227-C-G. GRCh37 (hg19) VCF-style: chr5-98223931-C-G.
Other names: c.2357G>C, p.Ser786Thr (NM_001364113.3, NM_001376194.2); short protein forms S786T.
Identifiers: ClinVar variation 3895797 (VCV003895797.1).

ClinVar aggregate classification (germline): Uncertain significance (1 of 4 stars; one submission).

gnomAD v4.1: 4 of 1,607,562 alleles (0.00025%); highest among the groups gnomAD compares: African/African-American, 0.0054%; no homozygotes.

Submission:

Women's Health and Genetics/Laboratory Corporation of America, LabCorp
Classification: Uncertain significance. Last evaluated: 2025-03-06. Review status: criteria provided, single submitter. Criteria: LabCorp Variant Classification Summary - May 2015. Collection method: clinical testing. Allele origin: germline.
Comment: Variant summary: CHD1 c.2357G>C (p.Ser786Thr) results in a conservative amino acid change in the encoded protein sequence. Three of five in-silico tools predict a benign effect of the variant on protein function. The variant allele was found at a frequency of 4.1e-06 in 246254 control chromosomes. The available data on variant occurrences in the general population are insufficient to allow any conclusion about variant significance. To our knowledge, no occurrence of c.2357G>C in individuals affected with Pilarowski-Bjornsson Syndrome and no experimental evidence demonstrating its impact on protein function have been reported. No submitters have cited clinical-significance assessments for this variant to ClinVar. Based on the evidence outlined above, the variant was classified as uncertain significance.